The following is an entry in ClinVar:

ClinVar aggregate classification (germline): Uncertain significance (1 of 4 stars; one submission).

Conditions:
Primary ciliary dyskinesia 33. Also called: CILIARY DYSKINESIA, PRIMARY, 33, WITHOUT SITUS INVERSUS. Identifiers: Orphanet 244, MedGen C4225230, MONDO:0014750, OMIM 616726.

Submission:

Labcorp Genetics (formerly Invitae), Labcorp
Classification: Uncertain significance for Primary ciliary dyskinesia 33. Last evaluated: 2025-04-21. Review status: criteria provided, single submitter. Criteria: Invitae Variant Classification Sherloc (09022015). Collection method: clinical testing. Allele origin: germline.
Comment: This sequence change replaces lysine, which is basic and polar, with alanine, which is neutral and non-polar, at codon 74 of the GAS8 protein (p.Lys74Ala). This variant is present in population databases (no rsID available, gnomAD 0.009%). This variant has not been reported in the literature in individuals affected with GAS8-related conditions. ClinVar contains an entry for this variant (Variation ID: 2077971). An algorithm developed to predict the effect of missense changes on protein structure and function (PolyPhen-2) suggests that this variant is likely to be tolerated. In summary, the available evidence is currently insufficient to determine the role of this variant in disease. Therefore, it has been classified as a Variant of Uncertain Significance.

NM_001481.3(DRC4):c.220_221delinsGC (p.Lys74Ala)

Gene: DRC4 (dynein regulatory complex subunit 4; plus strand). Cytogenetic location: 16q24.3.
Variant type: Indel.
Coding change: c.220_221delinsGC on transcript NM_001481.3 (MANE Select); coding-DNA positions 220 to 221, AA replaced by GC.
Protein change: p.Lys74Ala; replaces lysine 74 with alanine.
Molecular consequence: missense variant. On other transcripts: 5 prime UTR variant (2).
Genome position (GRCh38, 1-based): chr16:90,031,428-90,031,429, AA replaced by GC. VCF-style: chr16-90031428-AA-GC. GRCh37 (hg19) VCF-style: chr16-90097836-AA-GC.
Other names: c.-30_-29delinsGC (NM_001286205.2); c.-302_-301delinsGC (NM_001286208.2); c.145_146delinsGC, p.Lys49Ala (NM_001286209.2); short protein forms K49A, K74A.
Identifiers: ClinVar variation 2077971 (VCV002077971.2), dbSNP rs2543466684, ClinGen allele CA2580092415.